The following is an entry in ClinVar:

ClinVar aggregate classification (germline): Uncertain significance (1 of 4 stars; one submission).

Submission:

CeGaT Center for Human Genetics Tuebingen
Classification: Uncertain significance. Last evaluated: 2024-02-01. Review status: criteria provided, single submitter. Criteria: CeGaT Center For Human Genetics Tuebingen Variant Classification Criteria Version 2. Collection method: clinical testing. Allele origin: germline. Affected: yes. Observed: 1 variant allele.
Comment: SLC6A8: PM2, PP2, BP4

NM_005629.4(SLC6A8):c.1103C>T (p.Ala368Val)

Gene: SLC6A8 (solute carrier family 6 member 8; plus strand). Cytogenetic location: Xq28.
Variant type: single nucleotide variant.
Coding change: c.1103C>T on transcript NM_005629.4 (MANE Select); coding-DNA position 1103, C replaced by T.
Protein change: p.Ala368Val; replaces alanine 368 with valine.
Molecular consequence: missense variant.
Genome position (GRCh38, 1-based): chrX:153,693,548, C>T. VCF-style: chrX-153693548-C-T. GRCh37 (hg19) VCF-style: chrX-152959003-C-T.
Other names: c.1073C>T, p.Ala358Val (NM_001142805.2); c.758C>T, p.Ala253Val (NM_001142806.1); short protein forms A253V, A358V, A368V.
Identifiers: ClinVar variation 3027322 (VCV003027322.22), dbSNP rs2522163686, ClinGen allele CA415085694.